The following is an entry in ClinVar:

ClinVar aggregate classification (germline): Uncertain significance (1 of 4 stars; one submission).

Conditions:
Intellectual developmental disorder with speech delay, dysmorphic facies, and t-cell abnormalities. Also called: BCL11B-related BAFopathy. Identifiers: Orphanet 662829, MedGen C4748152, MONDO:0060763, OMIM 618092.

Submission:

Victorian Clinical Genetics Services, Murdoch Childrens Research Institute
Classification: Uncertain significance for Intellectual developmental disorder with speech delay, dysmorphic facies, and t-cell abnormalities. Last evaluated: 2021-05-06. Review status: criteria provided, single submitter. Criteria: ACMG Guidelines, 2015. Collection method: clinical testing. Allele origin: germline. Inheritance: Autosomal dominant inheritance. Affected: yes.
Comment: Based on the classification scheme VCGS_Germline_v1.3.4, this variant is classified as VUS-3A. Following criteria are met: 0103 - Loss of function is a known mechanism of disease in this gene and is associated with BCL11B-related neurodevelopmental disorder. A gain of function mechanism, whereby heterozygous missense variants abrogate the ability for wild-type protein to bind DNA, has also been posited (PMID: 27959755). (I) 0107 - This gene is associated with autosomal dominant disease. (I) 0200 - Variant is predicted to result in a missense amino acid change from cysteine to phenylalanine. (I) 0251 - This variant is heterozygous. (I) 0301 - Variant is absent from gnomAD (both v2 and v3). (SP) 0501 - Missense variant consistently predicted to be damaging by multiple in silico tools or highly conserved with a major amino acid change. (SP) 0604 - Variant is not located in an established domain, motif, hotspot or informative constraint region. (I) 0705 - No comparable missense variants have previous evidence for pathogenicity. (I) 0807 - This variant has no previous evidence of pathogenicity. (I) 0905 - No published segregation evidence has been identified for this variant. (I) 1007 - No published functional evidence has been identified for this variant. (I) 1208 - Inheritance information for this variant is not currently available in this individual. (I) Legend: (SP) - Supporting pathogenic, (I) - Information, (SB) - Supporting benign

Literature cited by the submitters: PubMed 27959755.

NM_138576.4(BCL11B):c.182G>T (p.Cys61Phe)

Gene: BCL11B (BCL11 transcription factor B; minus strand). Cytogenetic location: 14q32.2.
Variant type: single nucleotide variant.
Coding change: c.182G>T on transcript NM_138576.4 (MANE Select); coding-DNA position 182, G replaced by T.
Protein change: p.Cys61Phe; replaces cysteine 61 with phenylalanine.
Molecular consequence: missense variant.
Genome position (GRCh38, 1-based): chr14:99,257,716, C>A on the plus strand (G>T on the coding strand, the complement: BCL11B is on the minus strand). VCF-style: chr14-99257716-C-A. GRCh37 (hg19) VCF-style: chr14-99724053-C-A.
Other names: c.179G>T, p.Cys60Phe (NM_001282237.2, NM_001282238.2); c.182G>T, p.Cys61Phe (NM_022898.3); short protein forms C60F, C61F.
Identifiers: ClinVar variation 1698986 (VCV001698986.3), dbSNP rs2139953989, ClinGen allele CA390939522.